The following is an entry in ClinVar:

NM_001035.3(RYR2):c.2710T>C (p.Tyr904His)

Gene: RYR2 (ryanodine receptor 2; plus strand). Cytogenetic location: 1q43.
Variant type: single nucleotide variant.
Coding change: c.2710T>C on transcript NM_001035.3 (MANE Select); coding-DNA position 2710, T replaced by C.
Protein change: p.Tyr904His; replaces tyrosine 904 with histidine.
Molecular consequence: missense variant.
Genome position (GRCh38, 1-based): chr1:237,506,806, T>C. VCF-style: chr1-237506806-T-C. GRCh37 (hg19) VCF-style: chr1-237670106-T-C.
Other names: short protein forms Y904H.
Identifiers: ClinVar variation 4757187 (VCV004757187.1).

ClinVar aggregate classification (germline): Uncertain significance (1 of 4 stars; one submission).

Conditions:
Cardiomyopathy (CMYO). Also called: Cardiomyopathies. Identifiers: Orphanet 167848, MedGen C0878544, MONDO:0004994, HP:0001638. Inheritance: Various modes of inheritance.

Submission:

Color Diagnostics, LLC DBA Color Health
Classification: Uncertain significance for Cardiomyopathy. Last evaluated: 2025-06-09. Review status: criteria provided, single submitter. Criteria: ACMG Guidelines, 2015. Collection method: clinical testing. Allele origin: germline.
Comment: This missense variant replaces tyrosine with histidine at codon 904 of the RYR2 protein. Computational prediction suggests that this variant may have deleterious impact on protein structure and function. To our knowledge, functional studies have not been reported for this variant. This variant has not been reported in individuals affected with RYR2-related disorders in the literature. This variant has not been identified in the general population by the Genome Aggregation Database (gnomAD). The available evidence is insufficient to determine the role of this variant in disease conclusively. Therefore, this variant is classified as a Variant of Uncertain Significance.